The following is an entry in ClinVar:

ClinVar aggregate classification (germline): Pathogenic/Likely pathogenic. Review status: criteria provided, multiple submitters, no conflicts (2 of 4 stars). 2 submissions from 2 submitters: Pathogenic (1); Likely pathogenic (1). Last evaluated 2023-11-24.

Conditions:
Combined malonic and methylmalonic acidemia. Identifiers: Orphanet 289504, MedGen C3280314, MONDO:0013661, OMIM 614265.

Allele frequency attached by ClinVar (database versions not stated): gnomAD exomes below 0.00001; ExAC 0.00001; gnomAD 0.00001; TOPMed 0.00001.

Submissions (2):

Labcorp Genetics (formerly Invitae), Labcorp
Classification: Pathogenic for Combined malonic and methylmalonic acidemia. Last evaluated: 2023-11-24. Review status: criteria provided, single submitter. Criteria: Invitae Variant Classification Sherloc (09022015). Collection method: clinical testing. Allele origin: germline.
Comment: This sequence change creates a premature translational stop signal (p.Gln273*) in the ACSF3 gene. It is expected to result in an absent or disrupted protein product. Loss-of-function variants in ACSF3 are known to be pathogenic (PMID: 21841779, 26827111). This variant is present in population databases (rs749538361, gnomAD 0.003%). This variant has not been reported in the literature in individuals affected with ACSF3-related conditions. ClinVar contains an entry for this variant (Variation ID: 1451412). For these reasons, this variant has been classified as Pathogenic.

Baylor Genetics
Classification: Likely pathogenic for Combined malonic and methylmalonic acidemia. Last evaluated: 2022-03-28. Review status: criteria provided, single submitter. Criteria: ACMG Guidelines, 2015. Collection method: clinical testing. Allele origin: unknown.

Literature cited by the submitters: PubMed 21841779 (cited by Labcorp Genetics (formerly Invitae), Labcorp); PubMed 26827111 (cited by Labcorp Genetics (formerly Invitae), Labcorp).

NM_001243279.3(ACSF3):c.817C>T (p.Gln273Ter)

Gene: ACSF3 (acyl-CoA synthetase family member 3; plus strand). Cytogenetic location: 16q24.3.
Variant type: single nucleotide variant.
Coding change: c.817C>T on transcript NM_001243279.3 (MANE Select); coding-DNA position 817, C replaced by T.
Protein change: p.Gln273Ter; replaces glutamine 273 with a stop codon.
Molecular consequence: nonsense. On other transcripts: non-coding transcript variant (3).
Genome position (GRCh38, 1-based): chr16:89,102,754, C>T. VCF-style: chr16-89102754-C-T. GRCh37 (hg19) VCF-style: chr16-89169162-C-T.
Other names: c.817C>T, p.Gln273Ter (NM_001127214.4, NM_174917.5); c.22C>T, p.Gln8Ter (NM_001284316.2); short protein forms Q8*, Q273*.
Identifiers: ClinVar variation 1451412 (VCV001451412.7), dbSNP rs749538361, ClinGen allele CA8237798.